The following is an entry in ClinVar:

NM_138459.5(NUS1):c.313A>G (p.Ile105Val)

Gene: NUS1 (NUS1 dehydrodolichyl diphosphate synthase subunit; plus strand). Cytogenetic location: 6q22.1.
Variant type: single nucleotide variant.
Coding change: c.313A>G on transcript NM_138459.5 (MANE Select); coding-DNA position 313, A replaced by G.
Protein change: p.Ile105Val; replaces isoleucine 105 with valine.
Molecular consequence: missense variant.
Genome position (GRCh38, 1-based): chr6:117,675,983, A>G. VCF-style: chr6-117675983-A-G. GRCh37 (hg19) VCF-style: chr6-117997146-A-G.
Other names: short protein forms I105V.
Identifiers: ClinVar variation 2974548 (VCV002974548.3), dbSNP rs555373875, ClinGen allele CA146431401.

ClinVar aggregate classification (germline): Uncertain significance (1 of 4 stars; one submission).

Conditions:
Congenital disorder of glycosylation, type Iaa. Also called: Congenital disorder of glycosylation, type 1aa. Identifiers: MedGen C4310727, MONDO:0014904, OMIM 617082.

Allele frequency attached by ClinVar (database versions not stated): gnomAD 0.00001; gnomAD exomes 0.00001; 1000 Genomes Project 30x 0.00016; 1000 Genomes Project 0.00020.
gnomAD v4.1: 10 of 1,549,382 alleles (0.00065%); highest among the groups gnomAD compares: South Asian, 0.0095%; no homozygotes.

Submission:

Labcorp Genetics (formerly Invitae), Labcorp
Classification: Uncertain significance for Congenital disorder of glycosylation, type Iaa. Last evaluated: 2023-04-22. Review status: criteria provided, single submitter. Criteria: Invitae Variant Classification Sherloc (09022015). Collection method: clinical testing. Allele origin: germline.
Comment: In summary, the available evidence is currently insufficient to determine the role of this variant in disease. Therefore, it has been classified as a Variant of Uncertain Significance. Algorithms developed to predict the effect of missense changes on protein structure and function output the following: SIFT: "Not Available"; PolyPhen-2: "Benign"; Align-GVGD: "Not Available". The valine amino acid residue is found in multiple mammalian species, which suggests that this missense change does not adversely affect protein function. This variant has not been reported in the literature in individuals affected with NUS1-related conditions. This variant is present in population databases (rs555373875, gnomAD 0.01%). This sequence change replaces isoleucine, which is neutral and non-polar, with valine, which is neutral and non-polar, at codon 105 of the NUS1 protein (p.Ile105Val).